The following is an entry in ClinVar:

NM_004360.5(CDH1):c.786C>T (p.Phe262=)

Gene: CDH1 (cadherin 1; plus strand). Cytogenetic location: 16q22.1.
Variant type: single nucleotide variant.
Coding change: c.786C>T on transcript NM_004360.5 (MANE Select); coding-DNA position 786, C replaced by T.
Protein change: p.Phe262=; no amino-acid change (phenylalanine 262 retained).
Molecular consequence: synonymous variant. On other transcripts: 5 prime UTR variant (2).
Genome position (GRCh38, 1-based): chr16:68,810,295, C>T. VCF-style: chr16-68810295-C-T. GRCh37 (hg19) VCF-style: chr16-68844198-C-T.
Other names: c.786C>T (LRG_301t1); c.786C>T, p.Phe262= (NM_001317184.2); c.-830C>T (NM_001317185.2); c.-1034C>T (NM_001317186.2).
Identifiers: ClinVar variation 231164 (VCV000231164.25), dbSNP rs876658994, ClinGen allele CA10580091.

ClinVar aggregate classification (germline): Benign/Likely benign. Review status: criteria provided, multiple submitters, no conflicts (2 of 4 stars). 6 submissions from 6 submitters: Benign (1); Likely benign (5). Last evaluated 2025-09-19.

Conditions:
Hereditary cancer-predisposing syndrome. Also called: Hereditary Cancer Syndrome; Neoplastic Syndromes, Hereditary; Tumor predisposition; Hereditary neoplastic syndrome. Identifiers: Orphanet 140162, MedGen C0027672, MeSH D009386, MONDO:0015356.
Hereditary diffuse gastric adenocarcinoma (HDGC). Also called: DIFFUSE GASTRIC AND LOBULAR BREAST CANCER SYNDROME. Identifiers: Orphanet 26106, MedGen C1708349, MONDO:0007648, OMIM 137215.

Allele frequency attached by ClinVar (database versions not stated): gnomAD exomes below 0.00001 and 0.00003.
gnomAD v4.1: 38 of 1,614,110 alleles (0.0024%); highest among the groups gnomAD compares: Non-Finnish European, 0.0032%; no homozygotes.

Submissions (6):

Labcorp Genetics (formerly Invitae), Labcorp
Classification: Likely benign for Hereditary diffuse gastric adenocarcinoma. Last evaluated: 2025-09-19. Review status: criteria provided, single submitter. Criteria: Invitae Variant Classification Sherloc (09022015). Collection method: clinical testing. Allele origin: germline.

Myriad Genetics, Inc.
Classification: Benign for Hereditary diffuse gastric adenocarcinoma. Last evaluated: 2024-09-16. Review status: criteria provided, single submitter. Criteria: Myriad Autosomal Dominant, Autosomal Recessive and X-Linked Classification Criteria (2023). Collection method: clinical testing. Allele origin: unknown.
Comment: This variant is considered benign. This variant is a silent/synonymous amino acid change and it is not expected to impact splicing.

Color Diagnostics, LLC DBA Color Health
Classification: Likely benign for Hereditary cancer-predisposing syndrome. Last evaluated: 2018-12-03. Review status: criteria provided, single submitter. Criteria: ACMG Guidelines, 2015. Collection method: clinical testing. Allele origin: germline.

GeneDx
Classification: Likely benign. Last evaluated: 2018-09-19. Review status: criteria provided, single submitter. Criteria: GeneDx Variant Classification Process June 2021. Collection method: clinical testing. Allele origin: germline. Affected: yes.

Genetic Services Laboratory, University of Chicago
Classification: Likely benign. Last evaluated: 2017-03-06. Review status: criteria provided, single submitter. Criteria: ACMG Guidelines, 2015. Collection method: clinical testing. Allele origin: germline. Affected: no.

Ambry Genetics
Classification: Likely benign for Hereditary cancer-predisposing syndrome. Last evaluated: 2015-03-25. Review status: criteria provided, single submitter. Criteria: Ambry Variant Classification Scheme 2023. Collection method: clinical testing. Allele origin: germline.